The following is an entry in ClinVar:

NM_001177316.2(SLC34A3):c.1606C>T (p.Arg536Trp)

Gene: SLC34A3 (solute carrier family 34 member 3; plus strand). Cytogenetic location: 9q34.3.
Variant type: single nucleotide variant.
Coding change: c.1606C>T on transcript NM_001177316.2 (MANE Select); coding-DNA position 1606, C replaced by T.
Protein change: p.Arg536Trp; replaces arginine 536 with tryptophan.
Molecular consequence: missense variant.
Genome position (GRCh38, 1-based): chr9:137,236,222, C>T. VCF-style: chr9-137236222-C-T. GRCh37 (hg19) VCF-style: chr9-140130674-C-T.
Other names: c.1606C>T, p.Arg536Trp (NM_001177317.2, NM_080877.3); short protein forms R536W.
Identifiers: ClinVar variation 1377080 (VCV001377080.9), dbSNP rs142206230, ClinGen allele CA5365008.

ClinVar aggregate classification (germline): Uncertain significance. Review status: criteria provided, multiple submitters, no conflicts (2 of 4 stars). 4 submissions from 4 submitters: Uncertain significance (4). Last evaluated 2026-01-15.

Conditions:
Inborn genetic diseases. Identifiers: MedGen C0950123, MeSH D030342.
Autosomal recessive hypophosphatemic bone disease (HHRH). Also called: Hypophosphatemic rickets with hypercalciuria; HYPERCALCIURIC RICKETS. Identifiers: Orphanet 157215, MedGen C1853271, MONDO:0009431, OMIM 241530.

Allele frequency attached by ClinVar (database versions not stated): gnomAD 0.00009; ESP Exome Variant Server 0.00016; gnomAD exomes 0.00017; ExAC 0.00043.
gnomAD v4.1: 153 of 1,563,686 alleles (0.0098%); highest among the groups gnomAD compares: Middle Eastern, 0.017%; no homozygotes.

Submissions (4):

Labcorp Genetics (formerly Invitae), Labcorp
Classification: Uncertain significance. Last evaluated: 2026-01-15. Review status: criteria provided, single submitter. Criteria: Invitae Variant Classification Sherloc (09022015). Collection method: clinical testing. Allele origin: germline.
Comment: This sequence change replaces arginine, which is basic and polar, with tryptophan, which is neutral and slightly polar, at codon 536 of the SLC34A3 protein (p.Arg536Trp). This variant is present in population databases (rs142206230, gnomAD 0.02%). This variant has not been reported in the literature in individuals affected with SLC34A3-related conditions. ClinVar contains an entry for this variant (Variation ID: 1377080). Invitae Evidence Modeling of protein sequence and biophysical properties (such as structural, functional, and spatial information, amino acid conservation, physicochemical variation, residue mobility, and thermodynamic stability) indicates that this missense variant is not expected to disrupt SLC34A3 protein function with a negative predictive value of 80%. In summary, the available evidence is currently insufficient to determine the role of this variant in disease. Therefore, it has been classified as a Variant of Uncertain Significance.

Blueprint Genetics
Classification: Uncertain significance. Last evaluated: 2024-11-27. Review status: criteria provided, single submitter. Criteria: ACMG Guidelines, 2015. Collection method: clinical testing. Allele origin: germline.

Fulgent Genetics
Classification: Uncertain significance for Autosomal recessive hypophosphatemic bone disease. Last evaluated: 2024-03-20. Review status: criteria provided, single submitter. Criteria: ACMG Guidelines, 2015. Collection method: clinical testing. Allele origin: germline.

Ambry Genetics
Classification: Uncertain significance for Inborn genetic diseases. Last evaluated: 2022-05-26. Review status: criteria provided, single submitter. Criteria: Ambry Variant Classification Scheme 2023. Collection method: clinical testing. Allele origin: germline.